The following is an entry in ClinVar:

NM_021012.5(KCNJ12):c.715G>A (p.Glu239Lys)

Gene: KCNJ12 (potassium inwardly rectifying channel subfamily J member 12; plus strand). Cytogenetic location: 17p11.2.
Variant type: single nucleotide variant.
Coding change: c.715G>A on transcript NM_021012.5 (MANE Select); coding-DNA position 715, G replaced by A.
Protein change: p.Glu239Lys; replaces glutamic acid 239 with lysine.
Molecular consequence: missense variant.
Genome position (GRCh38, 1-based): chr17:21,416,057, G>A. VCF-style: chr17-21416057-G-A. GRCh37 (hg19) VCF-style: chr17-21319369-G-A.
Other names: short protein forms E239K.
Identifiers: ClinVar variation 3059158 (VCV003059158.2), dbSNP rs77048459, ClinGen allele CA8451252.

ClinVar aggregate classification (germline): Benign (0 of 4 stars; one submission).

Conditions:
KCNJ12-related disorder. Also called: KCNJ12-related condition.

Allele frequency attached by ClinVar (database versions not stated): ExAC 0.28070; 1000 Genomes Project 30x 0.43082.

Submission:

PreventionGenetics, part of Exact Sciences
Classification: Benign for KCNJ12-related condition. Last evaluated: 2019-10-17. Review status: no assertion criteria provided. Collection method: clinical testing. Allele origin: germline.
Comment: This variant is classified as benign based on ACMG/AMP sequence variant interpretation guidelines (Richards et al. 2015 PMID: 25741868, with internal and published modifications).